The following is an entry in ClinVar:

ClinVar aggregate classification (germline): Uncertain significance. Review status: criteria provided, multiple submitters, no conflicts (2 of 4 stars). 2 submissions from 2 submitters: Uncertain significance (2). Last evaluated 2024-03-15.

Allele frequency attached by ClinVar (database versions not stated): ExAC 0.00001; gnomAD 0.00001; gnomAD exomes 0.00001; TOPMed 0.00001.
gnomAD v4.1: 5 of 1,611,580 alleles (0.00031%); highest among the groups gnomAD compares: South Asian, 0.0011%; no homozygotes.

Submissions (2):

Ambry Genetics
Classification: Uncertain significance. Last evaluated: 2024-03-15. Review status: criteria provided, single submitter. Criteria: Ambry Variant Classification Scheme 2023. Collection method: clinical testing. Allele origin: germline.

Labcorp Genetics (formerly Invitae), Labcorp
Classification: Uncertain significance. Last evaluated: 2024-01-31. Review status: criteria provided, single submitter. Criteria: Invitae Variant Classification Sherloc (09022015). Collection method: clinical testing. Allele origin: germline.
Comment: This sequence change replaces alanine, which is neutral and non-polar, with valine, which is neutral and non-polar, at codon 145 of the CCT2 protein (p.Ala145Val). This variant is present in population databases (rs753615839, gnomAD 0.006%). This variant has not been reported in the literature in individuals affected with CCT2-related conditions. ClinVar contains an entry for this variant (Variation ID: 1026543). An algorithm developed to predict the effect of missense changes on protein structure and function (PolyPhen-2) suggests that this variant is likely to be tolerated. Algorithms developed to predict the effect of sequence changes on RNA splicing suggest that this variant may disrupt the consensus splice site. In summary, the available evidence is currently insufficient to determine the role of this variant in disease. Therefore, it has been classified as a Variant of Uncertain Significance.

NM_006431.3(CCT2):c.434C>T (p.Ala145Val)

Gene: CCT2 (chaperonin containing TCP1 subunit 2; plus strand). Cytogenetic location: 12q15.
Variant type: single nucleotide variant.
Coding change: c.434C>T on transcript NM_006431.3 (MANE Select); coding-DNA position 434, C replaced by T.
Protein change: p.Ala145Val; replaces alanine 145 with valine.
Molecular consequence: missense variant.
Genome position (GRCh38, 1-based): chr12:69,588,250, C>T. VCF-style: chr12-69588250-C-T. GRCh37 (hg19) VCF-style: chr12-69982030-C-T.
Other names: c.434C>T (NM_006431.2); c.293C>T, p.Ala98Val (NM_001198842.2); short protein forms A145V, A98V.
Identifiers: ClinVar variation 1026543 (VCV001026543.9), dbSNP rs753615839, ClinGen allele CA6680572.
Genomic context (GRCh38, chr12:69,588,250, plus strand): 5'-CCATCATAGCGGGTTGGAGAGAAGCCACGAAGGCTGCAAGAGAGGCGCTGTTGAGTTCTG[C>T]AGTTGATCATGGGTTTGTATAGCAAAGTACTACTGTTCTAAACATTTAGTGTTCTTTCAT-3'
Protein context (NP_006422.1, residues 135-155): KAAREALLSS[Ala145Val]VDHGSDEVKF